The following is an entry in ClinVar:

ClinVar aggregate classification (germline): Pathogenic (1 of 4 stars; one submission).

Submission:

Labcorp Genetics (formerly Invitae), Labcorp
Classification: Pathogenic. Last evaluated: 2024-08-27. Review status: criteria provided, single submitter. Criteria: Invitae Variant Classification Sherloc (09022015). Collection method: clinical testing. Allele origin: germline.
Comment: This sequence change creates a premature translational stop signal (p.Gln413*) in the TSEN54 gene. It is expected to result in an absent or disrupted protein product. Loss-of-function variants in TSEN54 are known to be pathogenic (PMID: 18711368, 20952379). This variant is not present in population databases (gnomAD no frequency). This variant has not been reported in the literature in individuals affected with TSEN54-related conditions. Algorithms developed to predict the effect of sequence changes on RNA splicing suggest that this variant may disrupt the consensus splice site. For these reasons, this variant has been classified as Pathogenic.

Literature cited by the submitters: PubMed 18711368; PubMed 20952379.

NM_207346.3(TSEN54):c.1237C>T (p.Gln413Ter)

Gene: TSEN54 (tRNA splicing endonuclease subunit 54; plus strand). Cytogenetic location: 17q25.1.
Variant type: single nucleotide variant.
Coding change: c.1237C>T on transcript NM_207346.3 (MANE Select); coding-DNA position 1237, C replaced by T.
Protein change: p.Gln413Ter; replaces glutamine 413 with a stop codon.
Molecular consequence: nonsense.
Genome position (GRCh38, 1-based): chr17:75,522,318, C>T. VCF-style: chr17-75522318-C-T. GRCh37 (hg19) VCF-style: chr17-73518399-C-T.
Other names: short protein forms Q413*.
Identifiers: ClinVar variation 3663596 (VCV003663596.2).
Genomic context (GRCh38, chr17:75,522,318, plus strand): 5'-AGCCAGCGCCGGGCCCCTCACCTGTGGGGCCAGCCCGTCACCCCGCTGCTGAGTCCTGGC[C>T]AGGCCAGCTCCCCAGGTACCCCCTCAGCCTGCCACATCTTCGAGGGCCACTGGCAGCTGA-3'